The following is an entry in ClinVar:

ClinVar aggregate classification (germline): Likely benign (0 of 4 stars; one submission).

Conditions:
ALMS1-related disorder. Also called: ALMS1-related condition.

Allele frequency attached by ClinVar (database versions not stated): TOPMed below 0.00001.
gnomAD v4.1: 1 of 1,613,892 alleles (0.000062%); highest among the groups gnomAD compares: African/African-American, 0.0013%; no homozygotes.

Submission:

PreventionGenetics, part of Exact Sciences
Classification: Likely benign for ALMS1-related condition. Last evaluated: 2023-12-15. Review status: no assertion criteria provided. Collection method: clinical testing. Allele origin: germline.
Comment: This variant is classified as likely benign based on ACMG/AMP sequence variant interpretation guidelines (Richards et al. 2015 PMID: 25741868, with internal and published modifications).

NM_001378454.1(ALMS1):c.*3C>G

Gene: ALMS1 (ALMS1 centrosome and basal body associated protein; plus strand). Cytogenetic location: 2p13.1.
Variant type: single nucleotide variant.
Coding change: c.*3C>G on transcript NM_001378454.1 (MANE Select); 3 bases downstream of the stop codon, C replaced by G.
Molecular consequence: 3 prime UTR variant.
Genome position (GRCh38, 1-based): chr2:73,609,615, C>G. VCF-style: chr2-73609615-C-G. GRCh37 (hg19) VCF-style: chr2-73836742-C-G.
Other names: c.*3C>G (NM_015120.4).
Identifiers: ClinVar variation 3056180 (VCV003056180.2), dbSNP rs1181480737, ClinGen allele CA533678921.